The following is an entry in ClinVar:

ClinVar aggregate classification (germline): Uncertain significance (1 of 4 stars; one submission).

Conditions:
Cardiovascular phenotype. Identifiers: MedGen CN230736.

Submission:

Ambry Genetics
Classification: Uncertain significance for Cardiovascular phenotype. Last evaluated: 2021-09-20. Review status: criteria provided, single submitter. Criteria: Ambry Variant Classification Scheme 2023. Collection method: clinical testing. Allele origin: germline.
Comment: The p.E516K variant (also known as c.1546G>A), located in coding exon 4 of the BAG3 gene, results from a G to A substitution at nucleotide position 1546. The glutamic acid at codon 516 is replaced by lysine, an amino acid with similar properties. This amino acid position is conserved. In addition, this alteration is predicted to be tolerated by in silico analysis. Since supporting evidence is limited at this time, the clinical significance of this alteration remains unclear.

NM_004281.4(BAG3):c.1546G>A (p.Glu516Lys)

Gene: BAG3 (BAG cochaperone 3; plus strand). Cytogenetic location: 10q26.11.
Variant type: single nucleotide variant.
Coding change: c.1546G>A on transcript NM_004281.4 (MANE Select); coding-DNA position 1546, G replaced by A.
Protein change: p.Glu516Lys; replaces glutamic acid 516 with lysine.
Molecular consequence: missense variant.
Genome position (GRCh38, 1-based): chr10:119,677,100, G>A. VCF-style: chr10-119677100-G-A. GRCh37 (hg19) VCF-style: chr10-121436612-G-A.
Other names: short protein forms E516K.
Identifiers: ClinVar variation 1774946 (VCV001774946.2), dbSNP rs1392633322, ClinGen allele CA378297559.